The following is an entry in ClinVar:

NM_000090.4(COL3A1):c.3132C>T (p.Gly1044=)

Gene: COL3A1 (collagen type III alpha 1 chain; plus strand). Cytogenetic location: 2q32.2.
Variant type: single nucleotide variant.
Coding change: c.3132C>T on transcript NM_000090.4 (MANE Select); coding-DNA position 3132, C replaced by T.
Protein change: p.Gly1044=; no amino-acid change (glycine 1044 retained).
Molecular consequence: synonymous variant.
Genome position (GRCh38, 1-based): chr2:189,006,383, C>T. VCF-style: chr2-189006383-C-T. GRCh37 (hg19) VCF-style: chr2-189871109-C-T.
Other names: p.Gly1044=.
Identifiers: ClinVar variation 459783 (VCV000459783.26), dbSNP rs369992399, ClinGen allele CA075884.

ClinVar aggregate classification (germline): Benign/Likely benign. Review status: criteria provided, multiple submitters, no conflicts (2 of 4 stars). 11 submissions from 11 submitters: Benign (1); Likely benign (10). Last evaluated 2026-06-18.

Conditions:
COL3A1-related disorder. Also called: COL3A1-related condition.
Connective tissue disorder. Also called: Connective tissue disease. Identifiers: MedGen C0009782, MONDO:0003900.
Familial thoracic aortic aneurysm and aortic dissection (TAAD). Also called: Thoracic aortic aneurysms and dissections. Identifiers: Orphanet 91387, MedGen C4707243, MONDO:0019625.
Ehlers-Danlos syndrome, type 4 (EDSVASC). Also called: Ehlers-Danlos syndrome vascular type; Ehlers Danlos syndrome, ecchymotic type; Ehlers Danlos syndrome, arterial type; Ehlers Danlos syndrome, Sack-Barabas type; Ehlers-Danlos Syndrome Type IV. Identifiers: Orphanet 286, MedGen C0268338, MONDO:0017314, OMIM 130050.

Allele frequency attached by ClinVar (database versions not stated): gnomAD 0.00003; TOPMed 0.00006.

Submissions (11):

PreventionGenetics, part of Exact Sciences
Classification: Likely benign for COL3A1-related condition. Last evaluated: 2026-06-18. Review status: criteria provided, single submitter. Criteria: ACMG Guidelines, 2015. Collection method: clinical testing. Allele origin: germline.
Comment: This variant is classified as likely benign based on ACMG/AMP sequence variant interpretation guidelines (Richards et al. 2015 PMID: 25741868, with internal and published modifications).

Labcorp Genetics (formerly Invitae), Labcorp
Classification: Likely benign for Ehlers-Danlos syndrome, type 4. Last evaluated: 2026-01-28. Review status: criteria provided, single submitter. Criteria: Invitae Variant Classification Sherloc (09022015). Collection method: clinical testing. Allele origin: germline.

Mayo Clinic Laboratories, Mayo Clinic
Classification: Likely benign. Last evaluated: 2025-09-16. Review status: criteria provided, single submitter. Criteria: ACMG Guidelines, 2015. Collection method: clinical testing. Allele origin: germline. Observed: 1 variant allele.
Comment: BP4, BP7

Women's Health and Genetics/Laboratory Corporation of America, LabCorp
Classification: Likely benign. Last evaluated: 2025-03-03. Review status: criteria provided, single submitter. Criteria: LabCorp Variant Classification Summary - May 2015. Collection method: clinical testing. Allele origin: germline.

Blueprint Genetics
Classification: Likely benign. Last evaluated: 2024-05-16. Review status: criteria provided, single submitter. Criteria: ACMG Guidelines, 2015. Collection method: clinical testing. Allele origin: germline.

All of Us Research Program, National Institutes of Health
Classification: Likely benign for Ehlers-Danlos syndrome, type 4. Last evaluated: 2023-12-13. Review status: criteria provided, single submitter. Criteria: ACMG Guidelines, 2015. Collection method: clinical testing. Allele origin: germline. Inheritance: Autosomal dominant inheritance. Observed: 14 variant alleles, 14 heterozygotes.
Comment: This study involves interpretation of variants in research participants for the purpose of population health screening. Participant phenotype was not available at the time of variant classification. Additional details can be found in publication PMID: 35346344, PMCID: PMC8962531

Ambry Genetics
Classification: Likely benign for Familial thoracic aortic aneurysm and aortic dissection. Last evaluated: 2022-09-26. Review status: criteria provided, single submitter. Criteria: Ambry Variant Classification Scheme 2023. Collection method: clinical testing. Allele origin: germline.

GeneDx
Classification: Likely benign. Last evaluated: 2020-09-25. Review status: criteria provided, single submitter. Criteria: GeneDx Variant Classification Process June 2021. Collection method: clinical testing. Allele origin: germline. Affected: yes.

Color Diagnostics, LLC DBA Color Health
Classification: Likely benign for Familial thoracic aortic aneurysm and aortic dissection. Last evaluated: 2019-02-09. Review status: criteria provided, single submitter. Criteria: ACMG Guidelines, 2015. Collection method: clinical testing. Allele origin: germline.

Illumina Laboratory Services, Illumina
Classification: Benign for Ehlers-Danlos syndrome, type 4. Last evaluated: 2018-01-13. Review status: criteria provided, single submitter. Criteria: ICSL Variant Classification Criteria 13 December 2019. Collection method: clinical testing. Allele origin: germline.
Comment: This variant was observed in the ICSL laboratory as part of a predisposition screen in an ostensibly healthy population. It had not been previously curated by ICSL or reported in the Human Gene Mutation Database (HGMD: prior to June 1st, 2018), and was therefore a candidate for classification through an automated scoring system. Utilizing variant allele frequency, disease prevalence and penetrance estimates, and inheritance mode, an automated score was calculated to assess if this variant is too frequent to cause the disease. Based on the score and internal cut-off values, a variant classified as benign is not then subjected to further curation. The score for this variant resulted in a classification of benign for this disease.

Center for Human Genetics, Inc
Classification: Likely benign for Connective tissue disorder. Last evaluated: 2016-11-01. Review status: criteria provided, single submitter. Criteria: ACMG Guidelines, 2015. Collection method: clinical testing. Allele origin: germline. Affected: yes.